The following is an entry in ClinVar:

ClinVar aggregate classification (germline): Pathogenic. Review status: criteria provided, multiple submitters, no conflicts (2 of 4 stars). 19 submissions from 18 submitters: Pathogenic (15). 4 of the submissions do not count toward it. Last evaluated 2025-12-17.

Conditions:
SMPD1-related disorder. Also called: SMPD1-related condition.
Niemann-Pick disease, type A. Also called: Infantile Neurovisceral ASMD (Niemann-Pick Disease Type A; NPD-A); SPHINGOMYELIN LIPIDOSIS; SPHINGOMYELINASE DEFICIENCY. Identifiers: Orphanet 77292, MedGen C0268242, MONDO:0009756, OMIM 257200. Disease mechanism: loss of function.
Niemann-Pick disease, type B. Also called: Chronic Visceral ASMD (Niemann-Pick Disease Type B; NPD-B). Identifiers: Orphanet 77293, MedGen C0268243, MONDO:0011871, OMIM 607616. Disease mechanism: loss of function.
Sphingomyelin/cholesterol lipidosis. Also called: Niemann-Pick disease. Identifiers: MedGen C0028064, MONDO:0001982.

Allele frequency attached by ClinVar (database versions not stated): gnomAD 0.00001; gnomAD exomes below 0.00001; TOPMed below 0.00001; ExAC 0.00001.
gnomAD v4.1: 6 of 1,611,816 alleles (0.00037%); highest among the groups gnomAD compares: Middle Eastern, 0.016%; no homozygotes.

Submissions 1 to 11 of 19:

Natera, Inc.
Classification: Pathogenic for Niemann-Pick Disease, Types A/B. Last evaluated: 2025-12-17. Review status: criteria provided, single submitter. Criteria: Natera Variant Classification Schema (03/2026). Collection method: clinical testing. Allele origin: germline.
Comment: The c.1267C>T variant in SMPD1 is a missense variant predicted to cause substitution of histidine to tyrosine at amino acid 423. This variant is rare in the general population with a frequency below the threshold expected for the associated phenotype(s). This variant has been observed in one or more individuals affected with the associated recessive disease, as either homozygous or compound heterozygous with a second variant (PMID: 36333862, 27338287, 26981555). Computational prediction algorithms indicate this variant is likely to affect gene or protein function. Given the available evidence, this variant is classified as Pathogenic.

PreventionGenetics, part of Exact Sciences
Classification: Pathogenic for SMPD1-related condition. Last evaluated: 2025-12-09. Review status: criteria provided, single submitter. Criteria: ACMG Guidelines, 2015. Collection method: clinical testing. Allele origin: germline.
Comment: The SMPD1 c.1267C>T variant is predicted to result in the amino acid substitution p.His423Tyr. This variant has been reported to be causative in patients with Niemann-Pick disease (see for example Simonaro et al. 2002. PubMed ID: 12369017; Ranganath et al. 2016. PubMed ID: 27338287). This variant has not been reported in a large population database (gnomad), indicating this variant is rare. This variant is interpreted as pathogenic.

GeneDx
Classification: Pathogenic. Last evaluated: 2025-11-12. Review status: criteria provided, single submitter. Criteria: GeneDx Variant Classification Process June 2021. Collection method: clinical testing. Allele origin: germline. Affected: yes.
Comment: In silico analysis supports that this missense variant has a deleterious effect on protein structure/function; Not observed at significant frequency in large population cohorts (gnomAD); Also known as p.(H421Y); This variant is associated with the following publications: (PMID: 17876723, 20301544, 28600779, 26499107, 32292456, 33101984, 18815062, 27338287, 12369017, 26981555, 36333862)

Labcorp Genetics (formerly Invitae), Labcorp
Classification: Pathogenic for Niemann-Pick disease, type B; Niemann-Pick disease, type A. Last evaluated: 2024-09-30. Review status: criteria provided, single submitter. Criteria: Invitae Variant Classification Sherloc (09022015). Collection method: clinical testing. Allele origin: germline.
Comment: This sequence change replaces histidine, which is basic and polar, with tyrosine, which is neutral and polar, at codon 423 of the SMPD1 protein (p.His423Tyr). This variant is present in population databases (rs120074126, gnomAD 0.0009%). This missense change has been observed in individual(s) with Niemann-Pick disease (PMID: 12369017, 17876723, 27338287, 28600779). This variant is also known as p.His421Tyr. ClinVar contains an entry for this variant (Variation ID: 2992). Invitae Evidence Modeling of protein sequence and biophysical properties (such as structural, functional, and spatial information, amino acid conservation, physicochemical variation, residue mobility, and thermodynamic stability) indicates that this missense variant is expected to disrupt SMPD1 protein function with a positive predictive value of 95%. This variant disrupts the p.His423 amino acid residue in SMPD1. Other variant(s) that disrupt this residue have been observed in individuals with SMPD1-related conditions (PMID: 16434659), which suggests that this may be a clinically significant amino acid residue. For these reasons, this variant has been classified as Pathogenic.

Genomic Medicine Center of Excellence, King Faisal Specialist Hospital and Research Centre
Classification: Pathogenic for Niemann-Pick disease, type A. Last evaluated: 2024-03-26. Review status: criteria provided, single submitter. Criteria: ACMG Guidelines, 2015. Collection method: clinical testing. Allele origin: germline.

Baylor Genetics
Classification: Pathogenic for Niemann-Pick disease, type A. Last evaluated: 2024-02-21. Review status: criteria provided, single submitter. Criteria: ACMG Guidelines, 2015. Collection method: clinical testing. Allele origin: unknown.

Blueprint Genetics
Classification: Pathogenic for SMPD1-related disorders. Last evaluated: 2023-04-06. Review status: criteria provided, single submitter. Criteria: ACMG Guidelines, 2015. Collection method: clinical testing. Allele origin: germline. Affected: yes. Observed: 2 variant alleles.

Foundation for Research in Genetics and Endocrinology, FRIGE's Institute of Human Genetics
Classification: Pathogenic for Niemann-Pick disease, type A. Last evaluated: 2021-12-07. Review status: criteria provided, single submitter. Criteria: ACMG Guidelines, 2015. Collection method: clinical testing. Allele origin: germline. Inheritance: Autosomal recessive inheritance. Affected: yes. Observed: 1 compound heterozygote.
Comment: A Heterozygous missense variation in exon 4 of the SMPD1 gene that results in the amino acid substitution of Tyrosine for Histidine at codon 423 was detected. The observed variant c.1267C>T (p.His423Tyr) has not been reported in the 1000 genomes and gnomAD databases. The in silico prediction of the variant are possibly damaging by DANN, FATHMM, PROVEAN. The reference codon is conserved across species. In summary, the variant meets our criteria to be classified as pathogenic.

Diagnostics Division, CENTRE FOR DNA FINGERPRINTING AND DIAGNOSTICS
Classification: Pathogenic for Niemann-Pick disease, type A; Niemann-Pick disease, type B. Last evaluated: 2021-04-25. Review status: criteria provided, single submitter. Criteria: ACMG Guidelines, 2015. Collection method: research. Allele origin: germline. Affected: yes. Observed: 1 variant allele.

Revvity Omics, Revvity
Classification: Pathogenic. Last evaluated: 2021-03-02. Review status: criteria provided, single submitter. Criteria: ACMG Guidelines, 2015. Collection method: clinical testing. Allele origin: germline.

Women's Health and Genetics/Laboratory Corporation of America, LabCorp
Classification: Pathogenic for Niemann-Pick disease, type B. Last evaluated: 2020-03-01. Review status: criteria provided, single submitter. Criteria: LabCorp Variant Classification Summary - May 2015. Collection method: clinical testing. Allele origin: germline.
Comment: Variant summary: SMPD1 c.1267C>T (p.His423Tyr) results in a conservative amino acid change located in the Acid sphingomyelinase/endophosphatase, metallophosphatase domain (IPR041805) of the encoded protein sequence. Two of four in-silico tools predict a benign effect of the variant on protein function. The variant was absent in 249054 control chromosomes. c.1267C>T has been reported in the literature in multiple individuals affected with Niemann-Pick Disease (example, Fotoulaki_2007, Simonaro_2002) and has been cited by as one of the most common type B NPD allele among the Saudi population. These data indicate that the variant is very likely to be associated with disease. At least one publication reports experimental evidence evaluating an impact on protein function. The most pronounced variant effect results in <10% of normal activity in both in-vitro and in-situ enzyme assays (Jones_2008). Four clinical diagnostic laboratories have submitted clinical-significance assessments for this variant to ClinVar after 2014 without evidence for independent evaluation. All laboratories classified the variant as pathogenic (n=3)/likely pathogenic(n=1). Based on the evidence outlined above, the variant was classified as pathogenic.

NM_000543.5(SMPD1):c.1267C>T (p.His423Tyr)

Gene: SMPD1 (sphingomyelin phosphodiesterase 1; plus strand). Cytogenetic location: 11p15.4.
Variant type: single nucleotide variant.
Coding change: c.1267C>T on transcript NM_000543.5 (MANE Select); coding-DNA position 1267, C replaced by T.
Protein change: p.His423Tyr; replaces histidine 423 with tyrosine.
Molecular consequence: missense variant. On other transcripts: non-coding transcript variant (2).
Genome position (GRCh38, 1-based): chr11:6,393,620, C>T. VCF-style: chr11-6393620-C-T. GRCh37 (hg19) VCF-style: chr11-6414850-C-T.
Other names: H421Y; c.1264C>T, p.His422Tyr (NM_001007593.3); c.1267C>T, p.His423Tyr (NM_001318087.2); c.346C>T, p.His116Tyr (NM_001318088.2); c.1135C>T, p.His379Tyr (NM_001365135.2); short protein forms H423Y, H116Y, H422Y, H379Y.
Identifiers: ClinVar variation 2992 (VCV000002992.69), dbSNP rs120074126, ClinGen allele CA252523.